The following is an entry in ClinVar:

ClinVar aggregate classification (germline): Benign (1 of 4 stars; one submission).

Conditions:
Familial adenomatous polyposis 1 (FAP1). Also called: POLYPOSIS, ADENOMATOUS INTESTINAL; FAMILIAL ADENOMATOUS POLYPOSIS 1, ATTENUATED. Identifiers: MedGen C2713442, MONDO:0021056, OMIM 175100. Disease mechanism: loss of function.

Submission:

Myriad Genetics, Inc.
Classification: Benign for Familial adenomatous polyposis 1. Last evaluated: 2024-02-22. Review status: criteria provided, single submitter. Criteria: Myriad Autosomal Dominant, Autosomal Recessive and X-Linked Classification Criteria (2023). Collection method: clinical testing. Allele origin: unknown.
Comment: This variant is considered benign. This variant is a silent/synonymous amino acid change and it is not expected to impact splicing.

NM_000038.6(APC):c.141A>T (p.Val47=)

Gene: APC (APC regulator of Wnt signaling pathway; plus strand). Cytogenetic location: 5q22.2.
Variant type: single nucleotide variant.
Coding change: c.141A>T on transcript NM_000038.6 (MANE Select); coding-DNA position 141, A replaced by T.
Protein change: p.Val47=; no amino-acid change (valine 47 retained).
Molecular consequence: synonymous variant. On other transcripts: 5 prime UTR variant (8), non-coding transcript variant (2).
Genome position (GRCh38, 1-based): chr5:112,766,331, A>T. VCF-style: chr5-112766331-A-T. GRCh37 (hg19) VCF-style: chr5-112102028-A-T.
Other names: c.-37A>T (NM_001354900.2, NM_001354901.2, NM_001354905.2 and 1 more transcripts); c.171A>T, p.Val57= (NM_001354902.2, NM_001407446.1, NM_001127511.3 and 1 more transcripts); c.141A>T, p.Val47= (NM_001354903.2, NM_001407447.1, NM_001407448.1 and 16 more transcripts); c.-895A>T (NM_001354906.2, NM_001407470.1, NM_001407471.1 and 1 more transcripts); c.66A>T, p.Val22= (NM_001354904.2, NM_001354898.2, NM_001407451.1).
Identifiers: ClinVar variation 3148340 (VCV003148340.1), dbSNP rs2149783815, ClinGen allele CA445752977.
Genomic context (GRCh38, chr5:112,766,331, plus strand): 5'-CATGTCTTGAAGTTATTTAGAATTTCATGTTAATATATTGTGTTCTTTTTAACAGGAAGT[A>T]CTTAAACAACTACAAGGAAGTATTGAAGATGAAGCTATGGCTTCTTCTGGACAGATTGAT-3'
Protein context (NP_000029.2, residues 37-57): LETEASNMKE[Val47=]LKQLQGSIED